The following is an entry in ClinVar:

ClinVar aggregate classification (germline): Benign. Review status: criteria provided, multiple submitters, no conflicts (2 of 4 stars). 10 submissions from 9 submitters: Benign (10). Last evaluated 2026-02-04.

Conditions:
RYR1-related disorder. Also called: RYR1-related condition; RYR1-related disorders. Identifiers: MedGen CN239331.
Malignant hyperthermia, susceptibility to, 1 (MHS1). Also called: RYR1-Related Malignant Hyperthermia Susceptibility; Malignant hyperthermia suceptibility 1; Anesthesia related hyperthermia; Malignant hyperpyrexia; Fulminating hyperpyrexia; Pharmacogenic myopathy. Identifiers: Orphanet 423, MedGen C2930980, MONDO:0007783, OMIM 145600.
Congenital multicore myopathy with external ophthalmoplegia (CMYO1B). Also called: Congenital myopathy 1B, autosomal recessive; Minicore myopathy; Minicore myopathy with external ophthalmoplegia; MULTIMINICORE DISEASE WITH EXTERNAL OPHTHALMOPLEGIA; MULTICORE MYOPATHY. Identifiers: Orphanet 598, Orphanet 98905, MedGen C1850674, MONDO:0009712, OMIM 255320, HP:0003789.

Allele frequency attached by ClinVar (database versions not stated): gnomAD exomes 0.00765; ExAC 0.00912; gnomAD 0.02672 and 0.02832; TOPMed 0.02923; ESP Exome Variant Server 0.03183; 1000 Genomes Project 0.03275; 1000 Genomes Project 30x 0.03467.
gnomAD v4.1: 8,096 of 1,613,146 alleles (0.5%); highest among the groups gnomAD compares: African/African-American, 9%; 325 homozygotes.

Submissions (10):

Labcorp Genetics (formerly Invitae), Labcorp
Classification: Benign for RYR1-related disorder. Last evaluated: 2026-02-04. Review status: criteria provided, single submitter. Criteria: Invitae Variant Classification Sherloc (09022015). Collection method: clinical testing. Allele origin: germline.

Color Diagnostics, LLC DBA Color Health
Classification: Benign for Malignant hyperthermia, susceptibility to, 1. Last evaluated: 2022-08-17. Review status: criteria provided, single submitter. Criteria: ACMG Guidelines, 2015. Collection method: clinical testing. Allele origin: germline.

PreventionGenetics, part of Exact Sciences
Classification: Benign. Last evaluated: 2018-04-02. Review status: criteria provided, single submitter. Criteria: ACMG Guidelines, 2015. Collection method: clinical testing. Allele origin: germline.

Illumina Laboratory Services, Illumina
Classification: Benign for Malignant hyperthermia, susceptibility to, 1. Last evaluated: 2018-01-13. Review status: criteria provided, single submitter. Criteria: ICSL Variant Classification Criteria 13 December 2019. Collection method: clinical testing. Allele origin: germline.
Comment: This variant was observed in the ICSL laboratory as part of a predisposition screen in an ostensibly healthy population. It had not been previously curated by ICSL or reported in the Human Gene Mutation Database (HGMD: prior to June 1st, 2018), and was therefore a candidate for classification through an automated scoring system. Utilizing variant allele frequency, disease prevalence and penetrance estimates, and inheritance mode, an automated score was calculated to assess if this variant is too frequent to cause the disease. Based on the score and internal cut-off values, a variant classified as benign is not then subjected to further curation. The score for this variant resulted in a classification of benign for this disease.

Illumina Laboratory Services, Illumina
Classification: Benign for Congenital multicore myopathy with external ophthalmoplegia. Last evaluated: 2018-01-13. Review status: criteria provided, single submitter. Criteria: ICSL Variant Classification Criteria 13 December 2019. Collection method: clinical testing. Allele origin: germline.
Comment: the same text as in the submission from Illumina Laboratory Services, Illumina above.

Mayo Clinic Laboratories, Mayo Clinic
Classification: Benign. Last evaluated: 2017-11-22. Review status: criteria provided, single submitter. Criteria: ACMG Guidelines, 2015. Collection method: clinical testing. Allele origin: germline. Observed: 25 variant alleles.

GeneDx
Classification: Benign. Last evaluated: 2016-03-29. Review status: criteria provided, single submitter. Criteria: GeneDx Variant Classification (06012015). Collection method: clinical testing. Allele origin: germline. Affected: yes.
Comment: This variant is considered likely benign or benign based on one or more of the following criteria: it is a conservative change, it occurs at a poorly conserved position in the protein, it is predicted to be benign by multiple in silico algorithms, and/or has population frequency not consistent with disease.

Genetic Services Laboratory, University of Chicago
Classification: Benign. Last evaluated: 2013-08-15. Review status: criteria provided, single submitter. Criteria: ACMG Guidelines, 2007. Collection method: clinical testing. Allele origin: germline. Inheritance: Autosomal unknown.

Eurofins Ntd Llc (ga)
Classification: Benign. Last evaluated: 2013-03-25. Review status: criteria provided, single submitter. Criteria: EGL Classification Definitions 2015. Collection method: clinical testing. Allele origin: germline. Observed: 3 variant alleles, 3 heterozygotes.

Breakthrough Genomics
Classification: Benign. Review status: criteria provided, single submitter. Criteria: ACMG Guidelines, 2015. Collection method: not provided. Allele origin: germline. Inheritance: Autosomal recessive inheritance. Affected: yes.

NM_000540.3(RYR1):c.5112C>T (p.Gly1704=)

Gene: RYR1 (ryanodine receptor 1; plus strand). Cytogenetic location: 19q13.2.
Variant type: single nucleotide variant.
Coding change: c.5112C>T on transcript NM_000540.3 (MANE Select); coding-DNA position 5112, C replaced by T.
Protein change: p.Gly1704=; no amino-acid change (glycine 1704 retained).
Molecular consequence: synonymous variant.
Genome position (GRCh38, 1-based): chr19:38,485,767, C>T. VCF-style: chr19-38485767-C-T. GRCh37 (hg19) VCF-style: chr19-38976407-C-T.
Other names: p.Gly1704=; c.5112C>T, p.Gly1704= (NM_001042723.2).
Identifiers: ClinVar variation 93271 (VCV000093271.29), dbSNP rs35352076, ClinGen allele CA024483.